The following is an entry in ClinVar:

ClinVar aggregate classification (germline): Likely pathogenic (1 of 4 stars; one submission).

Conditions:
Duchenne muscular dystrophy (DMD). Also called: Duchenne Muscular Dystrophy (DMD); MUSCULAR DYSTROPHY, PSEUDOHYPERTROPHIC PROGRESSIVE, DUCHENNE TYPE. Identifiers: Orphanet 98896, MedGen C0013264, MONDO:0010679, OMIM 310200.

Submission:

Labcorp Genetics (formerly Invitae), Labcorp
Classification: Likely pathogenic for Duchenne muscular dystrophy. Last evaluated: 2022-10-03. Review status: criteria provided, single submitter. Criteria: Invitae Variant Classification Sherloc (09022015). Collection method: clinical testing. Allele origin: germline.
Comment: In summary, the currently available evidence indicates that the variant is pathogenic, but additional data are needed to prove that conclusively. Therefore, this variant has been classified as Likely Pathogenic. This variant disrupts a region of the DMD protein in which other variant(s) (p.Glu789Lys) have been observed in individuals with DMD-related conditions (PMID: 31671740). This suggests that this is a clinically significant region of the protein, and that variants that disrupt it are likely to be disease-causing. A similar copy number variant has been observed in individuals with Duchenne muscular dystrophy (PMID: 15723292, 16936400, 17259292). This variant is a gross deletion of the genomic region encompassing exon(s) 19-20 of the DMD gene. This variant would be expected to be in-frame, preserving the integrity of the reading frame.

Literature cited by the submitters: PubMed 31671740; PubMed 15723292; PubMed 16936400; PubMed 17259292.

NC_000023.10:g.(?_32509384)_(32519969_?)del

Gene: DMD (dystrophin; minus strand). Cytogenetic location: Xp21.1.
Variant type: Deletion.
Identifiers: ClinVar variation 2424900 (VCV002424900.5).